The following is an entry in ClinVar:

NM_005236.3(ERCC4):c.37del (p.Ala13fs)

Genes: ERCC4 (ERCC excision repair 4, endonuclease catalytic subunit; plus strand), LOC130058543 (ATAC-STARR-seq lymphoblastoid active region 10486; plus strand). Cytogenetic location: 16p13.12.
Variant type: Deletion.
Coding change: c.37del on transcript NM_005236.3 (MANE Select); coding-DNA position 37, one base deleted (G; older notation c.37delG).
Protein change: p.Ala13fs; shifts the reading frame from alanine 13.
Molecular consequence: frameshift variant.
Genome position (GRCh38, 1-based): chr16:13,920,202, G deleted; the last of 2 consecutive G bases (chr16:13,920,201-13,920,202); deleting either gives the same sequence. VCF-style (leftmost placement, unchanged base first): chr16-13920200-TG-T. GRCh37 (hg19) VCF-style: chr16-14014057-TG-T.
Other names: short protein forms A13fs.
Identifiers: ClinVar variation 4884485 (VCV004884485.1).

ClinVar aggregate classification (germline): Likely pathogenic (1 of 4 stars; one submission).

Conditions:
Xeroderma pigmentosum, group F (XPF). Also called: ERCC4-Related Xeroderma Pigmentosum; XERODERMA PIGMENTOSUM, COMPLEMENTATION GROUP F; XERODERMA PIGMENTOSUM VI; XP, GROUP F; XERODERMA PIGMENTOSUM, TYPE F; Xeroderma pigmentosum, type 6. Identifiers: MedGen C0268140, MONDO:0010215, OMIM 278760.
Fanconi anemia complementation group Q. Identifiers: Orphanet 84, MedGen C3808988, MONDO:0014108, OMIM 615272.
XFE progeroid syndrome (XFEPS). Also called: XPF-ERCC1 PROGEROID SYNDROME. Identifiers: MedGen C1970416, MONDO:0012590, OMIM 610965.

Submission:

Diagnostics Services (NGS), CSIR - Centre For Cellular And Molecular Biology
Classification: Likely pathogenic for Fanconi anemia complementation group Q; Xeroderma pigmentosum, group F; XFE progeroid syndrome. Last evaluated: 2026-06-30. Review status: criteria provided, single submitter. Criteria: ACMG Guidelines, 2015. Collection method: clinical testing. Allele origin: germline. Affected: no. Observed: 1 variant allele, 1 heterozygote.